The following is an entry in ClinVar:

NM_005340.7(HINT1):c.365A>T (p.His122Leu)

Gene: HINT1 (histidine triad nucleotide binding protein 1; minus strand). Cytogenetic location: 5q23.3.
Variant type: single nucleotide variant.
Coding change: c.365A>T on transcript NM_005340.7 (MANE Select); coding-DNA position 365, A replaced by T.
Protein change: p.His122Leu; replaces histidine 122 with leucine.
Molecular consequence: missense variant. On other transcripts: non-coding transcript variant (5).
Genome position (GRCh38, 1-based): chr5:131,159,463, T>A on the plus strand (A>T on the coding strand, the complement: HINT1 is on the minus strand). VCF-style: chr5-131159463-T-A. GRCh37 (hg19) VCF-style: chr5-130495156-T-A.
Other names: p.His122Leu; short protein forms H122L.
Identifiers: ClinVar variation 450095 (VCV000450095.17), dbSNP rs780156681, ClinGen allele CA3398549.

ClinVar aggregate classification (germline): Uncertain significance. Review status: criteria provided, multiple submitters, no conflicts (2 of 4 stars). 4 submissions from 4 submitters: Uncertain significance (4). Last evaluated 2025-10-17.

Conditions:
Inborn genetic diseases. Identifiers: MedGen C0950123, MeSH D030342.
Autosomal recessive axonal neuropathy with neuromyotonia (NMAN). Also called: Neuromyotonia and axonal neuropathy, autosomal recessive; MYOKYMIA, MYOTONIA, AND MUSCLE WASTING; Gamstorp-Wohlfart syndrome. Identifiers: Orphanet 324442, MedGen C5700127, MONDO:0007646, OMIM 137200.

Allele frequency attached by ClinVar (database versions not stated): ExAC 0.00001; gnomAD 0.00001; gnomAD exomes 0.00001; TOPMed 0.00001.
gnomAD v4.1: 75 of 1,612,040 alleles (0.0047%); highest among the groups gnomAD compares: Non-Finnish European, 0.0059%; no homozygotes.

Submissions (4):

Mayo Clinic Laboratories, Mayo Clinic
Classification: Uncertain significance. Last evaluated: 2025-10-17. Review status: criteria provided, single submitter. Criteria: ACMG Guidelines, 2015. Collection method: clinical testing. Allele origin: germline. Observed: 1 variant allele.
Comment: BP4

Ambry Genetics
Classification: Uncertain significance for Inborn genetic diseases. Last evaluated: 2025-04-01. Review status: criteria provided, single submitter. Criteria: Ambry Variant Classification Scheme 2023. Collection method: clinical testing. Allele origin: germline.

GeneDx
Classification: Uncertain significance. Last evaluated: 2022-03-15. Review status: criteria provided, single submitter. Criteria: GeneDx Variant Classification Process June 2021. Collection method: clinical testing. Allele origin: germline. Affected: yes.
Comment: Reported in an individual with a long history of muscle cramps who also harbored additional variants in other neuropathy-related genes; a second HINT1 variant was not identified (Peddareddygari et al., 2021); Not observed at significant frequency in large population cohorts (gnomAD); In silico analysis supports that this missense variant does not alter protein structure/function; This variant is associated with the following publications: (PMID: Peddareddygari2021[ARTICLE])

Labcorp Genetics (formerly Invitae), Labcorp
Classification: Uncertain significance for Autosomal recessive axonal neuropathy with neuromyotonia. Last evaluated: 2021-01-29. Review status: criteria provided, single submitter. Criteria: Invitae Variant Classification Sherloc (09022015). Collection method: clinical testing. Allele origin: germline.
Comment: In summary, the available evidence is currently insufficient to determine the role of this variant in disease. Therefore, it has been classified as a Variant of Uncertain Significance. Algorithms developed to predict the effect of missense changes on protein structure and function (SIFT, PolyPhen-2, Align-GVGD) all suggest that this variant is likely to be tolerated, but these predictions have not been confirmed by published functional studies and their clinical significance is uncertain. This variant has not been reported in the literature in individuals with HINT1-related conditions. ClinVar contains an entry for this variant (Variation ID: 450095). This variant is present in population databases (rs780156681, ExAC 0.002%). This sequence change replaces histidine with leucine at codon 122 of the HINT1 protein (p.His122Leu). The histidine residue is weakly conserved and there is a moderate physicochemical difference between histidine and leucine.